The following is an entry in ClinVar:

ClinVar aggregate classification (germline): Uncertain significance. Review status: criteria provided, multiple submitters, no conflicts (2 of 4 stars). 2 submissions from 2 submitters: Uncertain significance (2). Last evaluated 2022-01-28.

Allele frequency attached by ClinVar (database versions not stated): gnomAD 0.00001; gnomAD exomes 0.00001; TOPMed 0.00001.
gnomAD v4.1: 9 of 1,588,820 alleles (0.00057%); highest among the groups gnomAD compares: African/African-American, 0.0014%; no homozygotes.

Submissions (2):

Labcorp Genetics (formerly Invitae), Labcorp
Classification: Uncertain significance. Last evaluated: 2022-01-28. Review status: criteria provided, single submitter. Criteria: Invitae Variant Classification Sherloc (09022015). Collection method: clinical testing. Allele origin: germline.
Comment: Algorithms developed to predict the effect of missense changes on protein structure and function are either unavailable or do not agree on the potential impact of this missense change (SIFT: "Deleterious"; PolyPhen-2: "Not Available"; Align-GVGD: "Class C0"). This missense change has been observed in individual(s) with clinical features of autism spectrum disorder (PMID: 33501714). This variant is present in population databases (no rsID available, gnomAD 0.007%). This sequence change replaces arginine, which is basic and polar, with glutamine, which is neutral and polar, at codon 53 of the DSCAML1 protein (p.Arg53Gln). Algorithms developed to predict the effect of sequence changes on RNA splicing suggest that this variant may create or strengthen a splice site. In summary, the available evidence is currently insufficient to determine the role of this variant in disease. Therefore, it has been classified as a Variant of Uncertain Significance.

Ambry Genetics
Classification: Uncertain significance. Last evaluated: 2021-09-17. Review status: criteria provided, single submitter. Criteria: Ambry Variant Classification Scheme 2023. Collection method: clinical testing. Allele origin: germline.

Literature cited by the submitters: PubMed 33501714 (cited by Labcorp Genetics (formerly Invitae), Labcorp).

NM_020693.4(DSCAML1):c.-23G>A

Gene: DSCAML1 (DS cell adhesion molecule like 1; minus strand). Cytogenetic location: 11q23.3.
Variant type: single nucleotide variant.
Coding change: c.-23G>A on transcript NM_020693.4 (MANE Select); 23 bases upstream of the start codon, G replaced by A.
Molecular consequence: 5 prime UTR variant. On other transcripts: intron variant (1).
Genome position (GRCh38, 1-based): chr11:117,797,102, C>T on the plus strand (G>A on the coding strand, the complement: DSCAML1 is on the minus strand). VCF-style: chr11-117797102-C-T. GRCh37 (hg19) VCF-style: chr11-117667817-C-T.
Other names: c.-23G>A (NM_001367904.1); c.-362-16292G>A (NM_001367905.1).
Identifiers: ClinVar variation 1927884 (VCV001927884.6), dbSNP rs1489468554, ClinGen allele CA382762278.
Genomic context (GRCh38, chr11:117,797,102, plus strand): 5'-AAAGAGTCCAGGAGCAGGAGGAAAGTTACCAGCCACATGCCATAAAGAGGCCCTATTCTC[C>T]GGGGAGGTGGTCCTGTGGCCGGCCGTGCGGCAGCGCCTCTCCCCCGCTCAGCGCGCTCCC-3'